The following is an entry in ClinVar:

NM_000059.4(BRCA2):c.6865_6866del (p.Leu2289fs)

Gene: BRCA2 (BRCA2 DNA repair associated; plus strand). Cytogenetic location: 13q13.1.
Variant type: Deletion.
Coding change: c.6865_6866del on transcript NM_000059.4 (MANE Select); coding-DNA positions 6865 to 6866, 2 bases deleted (TT; older notation c.6865_6866delTT).
Protein change: p.Leu2289fs; shifts the reading frame from leucine 2289.
Molecular consequence: frameshift variant.
Genome position (GRCh38, 1-based): chr13:32,344,581-32,344,582, TT deleted. VCF-style (leftmost placement, unchanged base first): chr13-32344580-CTT-C. GRCh37 (hg19) VCF-style: chr13-32918717-CTT-C.
Other names: short protein forms L2289fs.
Identifiers: ClinVar variation 1329057 (VCV001329057.7), dbSNP rs2137536911, ClinGen allele CA2573053819.

ClinVar aggregate classification (germline): Conflicting classifications of pathogenicity. Review status: criteria provided, conflicting classifications (1 of 4 stars). 3 submissions from 3 submitters: Pathogenic (1); Likely pathogenic (1); Uncertain significance (1). Last evaluated 2026-03-20.

Conditions:
Hereditary breast ovarian cancer syndrome. Also called: Hereditary breast and ovarian cancer; Hereditary breast and ovarian cancer syndrome; Hereditary breast and ovarian cancer syndrome (HBOC); BRCA1- and BRCA2-Associated Hereditary Breast and Ovarian Cancer; Breast and ovarian cancer; Hereditary breast and/or ovarian cancer syndrome. Identifiers: Orphanet 145, MedGen C0677776, MeSH D061325, MONDO:0003582. Disease mechanism: loss of function.
Hereditary cancer-predisposing syndrome. Also called: Neoplastic Syndromes, Hereditary; Tumor predisposition; Hereditary Cancer Syndrome; Hereditary neoplastic syndrome. Identifiers: Orphanet 140162, MedGen C0027672, MeSH D009386, MONDO:0015356.

Submissions (3):

Ambry Genetics
Classification: Uncertain significance for Hereditary cancer-predisposing syndrome. Last evaluated: 2026-03-20. Review status: criteria provided, single submitter. Criteria: Ambry Variant Classification Scheme 2023. Collection method: clinical testing. Allele origin: germline.
Comment: The c.6865_6866delTT variant, located in coding exon 11 of the BRCA2 gene, results from a deletion of two nucleotides at nucleotide positions 6865 to 6866, causing a translational frameshift with a predicted alternate stop codon (p.L2289Ifs*3). However, coding exon 11 (also known as exon 12 in the literature) is absent in a natural, in-frame isoform and this exon is also redundant based on clinical and functional studies (Meulemans L et al. Cancer Res, 2020 Apr;80:1374-1386; Li L et al. Hum Mutat, 2009 Nov;30:1543-50). Alterations that result in premature protein truncation are typically deleterious in nature; however the occurrence of such alterations in exons that are absent in functional, alternate isoforms leads to the possibility that the alternate isoform can rescue the defect. Thus, the clinical impact of this variant and its resulting protein cannot be predicted. Since supporting evidence is limited at this time, the clinical significance of this alteration remains unclear.

Labcorp Genetics (formerly Invitae), Labcorp
Classification: Pathogenic for Hereditary breast ovarian cancer syndrome. Last evaluated: 2022-03-08. Review status: criteria provided, single submitter. Criteria: Invitae Variant Classification Sherloc (09022015). Collection method: clinical testing. Allele origin: germline.
Comment: This sequence change creates a premature translational stop signal (p.Leu2289Ilefs*3) in the BRCA2 gene. It is expected to result in an absent or disrupted protein product. Loss-of-function variants in BRCA2 are known to be pathogenic (PMID: 20104584). For these reasons, this variant has been classified as Pathogenic. ClinVar contains an entry for this variant (Variation ID: 1329057). This variant has not been reported in the literature in individuals affected with BRCA2-related conditions. This variant is not present in population databases (gnomAD no frequency).

Women's Health and Genetics/Laboratory Corporation of America, LabCorp
Classification: Likely pathogenic for Hereditary breast ovarian cancer syndrome. Last evaluated: 2021-11-19. Review status: criteria provided, single submitter. Criteria: LabCorp Variant Classification Summary - May 2015. Collection method: clinical testing. Allele origin: germline.
Comment: Variant summary: BRCA2 c.6865_6866delTT (p.Leu2289IlefsX3) results in a premature termination codon in exon 12, predicted to cause a truncation of the encoded protein or absence of the protein due to nonsense mediated decay, which are commonly known mechanisms for disease. Truncations downstream of this position have been classified as pathogenic by our laboratory. The variant was absent in 246146 control chromosomes (gnomAD). To our knowledge, no occurrence of c.6865_6866delTT in individuals affected with Hereditary Breast And Ovarian Cancer Syndrome and no experimental evidence demonstrating its impact on protein function have been reported. No clinical diagnostic laboratories have submitted clinical-significance assessments for this variant to ClinVar after 2014. A transcript lacking exon 12 (resulting in an in-frame deletion change in the encoded protein) has been determined to occur naturally (PMID: 27060066). A recent study examining the effect of 11 truncation variants located within exon 12, determined that 2 of them had a significant spliceogenic effect leading to major exon 12 skipping (PMID 32046981). These two nonsense variants were determined to have a mild functional effect and along with segregation analysis data from families carrying these variants, lead the authors to conclude that the hypomorphic activity observed for these variants might confer moderate or low risks of breast cancer. Nevertheless, the remaining 9 truncation variants were not determined to have significant spliceogenic effect and will therefore be expected to lead to truncation or absence of the encoded protein. Based on the evidence outlined above, and taking into consideration the special conditions that may exist for variants located in exon 12 of BRCA2, the variant was classified as likely pathogenic.

Literature cited by the submitters: PubMed 19795481 (cited by Ambry Genetics); PubMed 32046981 (cited by Ambry Genetics); PubMed 20104584 (cited by Labcorp Genetics (formerly Invitae), Labcorp).